The following is an entry in ClinVar:

NM_001003800.2(BICD2):c.578A>C (p.Lys193Thr)

Gene: BICD2 (BICD cargo adaptor 2; minus strand). Cytogenetic location: 9q22.31.
Variant type: single nucleotide variant.
Coding change: c.578A>C on transcript NM_001003800.2 (MANE Select); coding-DNA position 578, A replaced by C.
Protein change: p.Lys193Thr; replaces lysine 193 with threonine.
Molecular consequence: missense variant.
Genome position (GRCh38, 1-based): chr9:92,722,684, T>G on the plus strand (A>C on the coding strand, the complement: BICD2 is on the minus strand). VCF-style: chr9-92722684-T-G. GRCh37 (hg19) VCF-style: chr9-95484966-T-G.
Other names: c.578A>C, p.Lys193Thr (NM_015250.4); short protein forms K193T.
Identifiers: ClinVar variation 1933286 (VCV001933286.5), dbSNP rs1293205306, ClinGen allele CA374045416.
Genomic context (GRCh38, chr9:92,722,684, plus strand): 5'-TGCCACCTCCACCCCACAGGCCCAAGACTCACCTGGTTCTGTCTGAGCACAGACACTTGC[T>G]TCTGCAGGCTGATGTTCTCCTCCTCCAGTTCCGAGTAGTCCTGCAGCAGACGAGCTTCCC-3'
Protein context (NP_001003800.1, residues 183-203): ELEEENISLQ[Lys193Thr]QVSVLRQNQV

ClinVar aggregate classification (germline): Uncertain significance (1 of 4 stars; one submission).

Conditions:
Autosomal dominant childhood-onset proximal spinal muscular atrophy with contractures (SMALED2A). Also called: SPINAL MUSCULAR ATROPHY, LOWER EXTREMITY-PREDOMINANT, 2A, CHILDHOOD ONSET, AUTOSOMAL DOMINANT; Spinal muscular atrophy, lower extremity-predominant, 2A, autosomal dominant. Identifiers: Orphanet 363447, Orphanet 363454, MedGen C4747715, MONDO:0014121, OMIM 615290.

Allele frequency attached by ClinVar (database versions not stated): gnomAD exomes below 0.00001; TOPMed below 0.00001.
gnomAD v4.1: 1 of 1,614,220 alleles (0.000062%); highest among the groups gnomAD compares: Admixed American, 0.0017%; no homozygotes.

Submission:

Labcorp Genetics (formerly Invitae), Labcorp
Classification: Uncertain significance for Autosomal dominant childhood-onset proximal spinal muscular atrophy with contractures. Last evaluated: 2023-07-28. Review status: criteria provided, single submitter. Criteria: Invitae Variant Classification Sherloc (09022015). Collection method: clinical testing. Allele origin: germline.
Comment: In summary, the available evidence is currently insufficient to determine the role of this variant in disease. Therefore, it has been classified as a Variant of Uncertain Significance. Advanced modeling of protein sequence and biophysical properties (such as structural, functional, and spatial information, amino acid conservation, physicochemical variation, residue mobility, and thermodynamic stability) performed at Invitae indicates that this missense variant is expected to disrupt BICD2 protein function. ClinVar contains an entry for this variant (Variation ID: 1933286). This variant has not been reported in the literature in individuals affected with BICD2-related conditions. This variant is present in population databases (no rsID available, gnomAD 0.003%). This sequence change replaces lysine, which is basic and polar, with threonine, which is neutral and polar, at codon 193 of the BICD2 protein (p.Lys193Thr).